The following is an entry in ClinVar:

NM_015687.5(FILIP1):c.1188G>A (p.Glu396=)

Gene: FILIP1 (filamin A interacting protein 1; minus strand). Cytogenetic location: 6q14.1.
Variant type: single nucleotide variant.
Coding change: c.1188G>A on transcript NM_015687.5 (MANE Select); coding-DNA position 1188, G replaced by A.
Protein change: p.Glu396=; no amino-acid change (glutamic acid 396 retained).
Molecular consequence: synonymous variant.
Genome position (GRCh38, 1-based): chr6:75,314,644, C>T on the plus strand (G>A on the coding strand, the complement: FILIP1 is on the minus strand). VCF-style: chr6-75314644-C-T. GRCh37 (hg19) VCF-style: chr6-76024360-C-T.
Other names: c.1197G>A, p.Glu399= (NM_001289987.3); c.1188G>A, p.Glu396= (NM_001300866.3).
Identifiers: ClinVar variation 5038545 (VCV005038545.1).
Genomic context (GRCh38, chr6:75,314,644, plus strand): 5'-GTGTTCTTCCTCTTGCAGCTTCTTCCTCAATTCCCTACACTGGGATTCAGTTTTAGTGAT[C>T]TCCTCATCTTTACCTTCCATTTCAAGCACACGCTTTCGAAGATTTTCCACTTCTGCCATG-3'
Protein context (NP_056502.1, residues 386-406): RVLEMEGKDE[Glu396=]ITKTESQCRE

ClinVar aggregate classification (germline): Likely benign (1 of 4 stars; one submission).

gnomAD v4.1: 2,362 of 1,613,550 alleles (0.15%); highest among the groups gnomAD compares: Non-Finnish European, 0.19%; 5 homozygotes.

Submission:

CeGaT Center for Human Genetics Tuebingen
Classification: Likely benign. Last evaluated: 2026-08-01. Review status: criteria provided, single submitter. Criteria: CeGaT Center For Human Genetics Tuebingen Variant Classification Criteria Version 2. Collection method: clinical testing. Allele origin: germline. Affected: yes. Observed: 1 variant allele.
Comment: FILIP1: BP4, BP7